The following is an entry in ClinVar:

NM_000503.6(EYA1):c.1598-2del

Gene: EYA1 (EYA transcriptional coactivator and phosphatase 1; minus strand). Cytogenetic location: 8q13.3.
Variant type: Deletion.
Coding change: c.1598-2del on transcript NM_000503.6 (MANE Select); the canonical splice acceptor site of the intron before coding-DNA position 1598, one base deleted (A; older notation c.1598-2delA).
Molecular consequence: splice acceptor variant.
Genome position (GRCh38, 1-based): chr8:71,211,258, T deleted on the plus strand (A on the coding strand, the reverse complement: EYA1 is on the minus strand). VCF-style (leftmost placement, unchanged base first): chr8-71211257-CT-C. GRCh37 (hg19) VCF-style: chr8-72123492-CT-C.
Other names: c.1577-2del (NM_001370336.1); c.1685-2del (NM_001370333.1); c.1598-2del (NM_001370335.1, NM_001370334.1, NM_172058.4); c.1580-2del (NM_172059.5, NM_001288574.2); c.1499-2del (NM_001411797.1, NM_172060.4); c.1232-2del (NM_001288575.2); c.1598-2delA (NM_000503.6).
Identifiers: ClinVar variation 2664718 (VCV002664718.1), dbSNP rs2537209124, ClinGen allele CA2580610804.

ClinVar aggregate classification (germline): Pathogenic (1 of 4 stars; one submission).

Conditions:
Branchiootic syndrome 1 (BOS1). Also called: BO SYNDROME 1; BRANCHIOOTIC DYSPLASIA. Identifiers: MedGen C1865143, MONDO:0011258, OMIM 602588.

Submission:

Genetics and Molecular Pathology, SA Pathology
Classification: Pathogenic for Branchiootic syndrome 1. Last evaluated: 2023-06-08. Review status: criteria provided, single submitter. Criteria: ACMG Guidelines, 2015. Collection method: clinical testing. Allele origin: germline. Inheritance: Autosomal dominant inheritance. Affected: yes.
Comment: The EYA1 c.1598-2del variant is classified as Pathogenic (PVS1_Moderate, PS4_Supporting, PS3, PM2, PP4) The EYA1 c.1598-2del variant is located at the splice acceptor site. Computational predictions support a deleterious effect on splicing and a likely disruption of the protein reading frame (PVS1_moderate). The variant has been reported in several probands with a clinical presentation of Branchiootic syndrome 1 (PMID:23840632) (PS4_Supporting). This variant is absent from population databases (PM2). Well-established splicing assay show a deleterious effect of this variant (PMID:23840632) (PS3). The clinical features of this case are highly specific for the EYA1 gene (PP4). The variant has been reported in the HGMD database: CS137062 and has been reported as Pathogenic by other diagnostic laboratories (ClinVar Variation ID: 837632). It has not been reported in dbSNP.

Literature cited by the submitters: PubMed 23840632.